The following is an entry in ClinVar:

ClinVar aggregate classification (germline): Uncertain significance. Review status: criteria provided, multiple submitters, no conflicts (2 of 4 stars). 3 submissions from 3 submitters: Uncertain significance (3). Last evaluated 2025-12-24.

Conditions:
Cardiovascular phenotype. Identifiers: MedGen CN230736.
Hypertrophic cardiomyopathy 16. Identifiers: MedGen C3151204, MONDO:0013455, OMIM 613838.
Hypertrophic cardiomyopathy. Also called: HYPERTROPHIC MYOCARDIOPATHY. Identifiers: Orphanet 217569, MedGen C0007194, MeSH D002312, MONDO:0005045, HP:0001639.

Allele frequency attached by ClinVar (database versions not stated): gnomAD exomes 0.00001; ExAC 0.00002; TOPMed 0.00003; ESP Exome Variant Server 0.00008.
gnomAD v4.1: 32 of 1,613,464 alleles (0.002%); highest among the groups gnomAD compares: African/African-American, 0.0027%; no homozygotes.

Submissions (3):

Labcorp Genetics (formerly Invitae), Labcorp
Classification: Uncertain significance for Hypertrophic cardiomyopathy. Last evaluated: 2025-12-24. Review status: criteria provided, single submitter. Criteria: Invitae Variant Classification Sherloc (09022015). Collection method: clinical testing. Allele origin: germline.
Comment: This sequence change replaces histidine, which is basic and polar, with leucine, which is neutral and non-polar, at codon 4 of the MYOZ2 protein (p.His4Leu). This variant is present in population databases (rs376901669, gnomAD 0.007%). This variant has not been reported in the literature in individuals affected with MYOZ2-related conditions. ClinVar contains an entry for this variant (Variation ID: 1421517). An algorithm developed to predict the effect of missense changes on protein structure and function (PolyPhen-2) suggests that this variant is likely to be tolerated. In summary, the available evidence is currently insufficient to determine the role of this variant in disease. Therefore, it has been classified as a Variant of Uncertain Significance.

Ambry Genetics
Classification: Uncertain significance for Cardiovascular phenotype. Last evaluated: 2024-12-09. Review status: criteria provided, single submitter. Criteria: Ambry Variant Classification Scheme 2023. Collection method: clinical testing. Allele origin: germline.
Comment: The p.H4L variant (also known as c.11A>T), located in coding exon 1 of the MYOZ2 gene, results from an A to T substitution at nucleotide position 11. The histidine at codon 4 is replaced by leucine, an amino acid with some similar properties. This amino acid position is not well conserved in available vertebrate species. In addition, this alteration is predicted to be tolerated by in silico analysis. Since supporting evidence is limited at this time, the clinical significance of this alteration remains unclear.

Fulgent Genetics
Classification: Uncertain significance for Hypertrophic cardiomyopathy 16. Last evaluated: 2021-09-21. Review status: criteria provided, single submitter. Criteria: ACMG Guidelines, 2015. Collection method: clinical testing. Allele origin: unknown.

NM_016599.5(MYOZ2):c.11A>T (p.His4Leu)

Gene: MYOZ2 (myozenin 2; plus strand). Cytogenetic location: 4q26.
Variant type: single nucleotide variant.
Coding change: c.11A>T on transcript NM_016599.5 (MANE Select); coding-DNA position 11, A replaced by T.
Protein change: p.His4Leu; replaces histidine 4 with leucine.
Molecular consequence: missense variant.
Genome position (GRCh38, 1-based): chr4:119,136,536, A>T. VCF-style: chr4-119136536-A-T. GRCh37 (hg19) VCF-style: chr4-120057691-A-T.
Other names: short protein forms H4L.
Identifiers: ClinVar variation 1421517 (VCV001421517.12), dbSNP rs376901669, ClinGen allele CA3058518.